The following is an entry in ClinVar:

ClinVar aggregate classification (germline): Uncertain significance (1 of 4 stars; one submission).

Submission:

Labcorp Genetics (formerly Invitae), Labcorp
Classification: Uncertain significance. Last evaluated: 2022-02-20. Review status: criteria provided, single submitter. Criteria: Invitae Variant Classification Sherloc (09022015). Collection method: clinical testing. Allele origin: germline.
Comment: In summary, the available evidence is currently insufficient to determine the role of this variant in disease. Therefore, it has been classified as a Variant of Uncertain Significance. Algorithms developed to predict the effect of missense changes on protein structure and function output the following: SIFT: "Tolerated"; PolyPhen-2: "Benign"; Align-GVGD: "Class C0". The aspartic acid amino acid residue is found in multiple mammalian species, which suggests that this missense change does not adversely affect protein function. This variant has not been reported in the literature in individuals affected with TONSL-related conditions. This variant is not present in population databases (gnomAD no frequency). This sequence change replaces glutamic acid, which is acidic and polar, with aspartic acid, which is acidic and polar, at codon 828 of the TONSL protein (p.Glu828Asp).

NM_013432.5(TONSL):c.2484G>C (p.Glu828Asp)

Genes: TONSL (tonsoku like, DNA repair protein; minus strand), TONSL-AS1 (TONSL antisense RNA 1; plus strand). Cytogenetic location: 8q24.3.
Variant type: single nucleotide variant.
Coding change: c.2484G>C on transcript NM_013432.5 (MANE Select); coding-DNA position 2484, G replaced by C.
Protein change: p.Glu828Asp; replaces glutamic acid 828 with aspartic acid.
Molecular consequence: missense variant.
Genome position (GRCh38, 1-based): chr8:144,435,949, C>G on the plus strand (G>C on the coding strand, the complement: TONSL is on the minus strand). VCF-style: chr8-144435949-C-G. GRCh37 (hg19) VCF-style: chr8-145661332-C-G.
Other names: short protein forms E828D.
Identifiers: ClinVar variation 2100104 (VCV002100104.4), dbSNP rs2537487750, ClinGen allele CA372654947.